The following is an entry in ClinVar:

ClinVar aggregate classification (germline): Benign (0 of 4 stars; one submission).

Conditions:
COL15A1-related disorder. Also called: COL15A1-related condition.

Allele frequency attached by ClinVar (database versions not stated): gnomAD exomes 0.14033; ESP Exome Variant Server 0.15800; gnomAD 0.16521; ExAC 0.16524; TOPMed 0.16598; 1000 Genomes Project 30x 0.21034; 1000 Genomes Project 0.21406.
gnomAD v4.1: 228,003 of 1,593,804 alleles (14%); highest among the groups gnomAD compares: East Asian, 34%; 17,773 homozygotes.

Submission:

PreventionGenetics, part of Exact Sciences
Classification: Benign for COL15A1-related condition. Last evaluated: 2019-11-25. Review status: no assertion criteria provided. Collection method: clinical testing. Allele origin: germline.
Comment: This variant is classified as benign based on ACMG/AMP sequence variant interpretation guidelines (Richards et al. 2015 PMID: 25741868, with internal and published modifications).

NM_001855.5(COL15A1):c.1762-6T>C

Gene: COL15A1 (collagen type XV alpha 1 chain; plus strand). Cytogenetic location: 9q22.33.
Variant type: single nucleotide variant.
Coding change: c.1762-6T>C on transcript NM_001855.5 (MANE Select); 6 bases into the intron before coding-DNA position 1762, T replaced by C.
Molecular consequence: intron variant.
Genome position (GRCh38, 1-based): chr9:99,023,351, T>C. VCF-style: chr9-99023351-T-C. GRCh37 (hg19) VCF-style: chr9-101785633-T-C.
Identifiers: ClinVar variation 3059169 (VCV003059169.2), dbSNP rs7851787, ClinGen allele CA5155058.